The following is an entry in ClinVar:

ClinVar aggregate classification (germline): Uncertain significance (1 of 4 stars; one submission).

Conditions:
Inborn genetic diseases. Identifiers: MedGen C0950123, MeSH D030342.

Submission:

Ambry Genetics
Classification: Uncertain significance for Inborn genetic diseases. Last evaluated: 2024-12-12. Review status: criteria provided, single submitter. Criteria: Ambry Variant Classification Scheme 2023. Collection method: clinical testing. Allele origin: germline.
Comment: The p.A188V variant (also known as c.563C>T), located in coding exon 1 of the SH2B3 gene, results from a C to T substitution at nucleotide position 563. The alanine at codon 188 is replaced by valine, an amino acid with similar properties. This amino acid position is conserved. In addition, this alteration is predicted to be tolerated by in silico analysis. Based on the available evidence, the clinical significance of this variant remains unclear.

NM_005475.3(SH2B3):c.563C>T (p.Ala188Val)

Gene: SH2B3 (SH2B adaptor protein 3; plus strand). Cytogenetic location: 12q24.12.
Variant type: single nucleotide variant.
Coding change: c.563C>T on transcript NM_005475.3 (MANE Select); coding-DNA position 563, C replaced by T.
Protein change: p.Ala188Val; replaces alanine 188 with valine.
Molecular consequence: missense variant.
Genome position (GRCh38, 1-based): chr12:111,418,708, C>T. VCF-style: chr12-111418708-C-T. GRCh37 (hg19) VCF-style: chr12-111856512-C-T.
Other names: short protein forms A188V.
Identifiers: ClinVar variation 3794987 (VCV003794987.1).
Genomic context (GRCh38, chr12:111,418,708, plus strand): 5'-AGGCTGCTGAGACCCCCGCCCGGCCTGGCCTGGCCAAGAAGTTCCTGCCCTGGAGCCTGG[C>T]CCGGGAGCCGCCACCCGAGGCGCTGAAGGAGGCGGTGCTGCGCTACAGCCTGGCCGACGA-3'
Protein context (NP_005466.1, residues 178-198): LAKKFLPWSL[Ala188Val]REPPPEALKE